The following is an entry in ClinVar:

NM_024721.5(ZFHX4):c.1243G>T (p.Val415Leu)

Gene: ZFHX4 (zinc finger homeobox 4; plus strand). Cytogenetic location: 8q21.13.
Variant type: single nucleotide variant.
Coding change: c.1243G>T on transcript NM_024721.5 (MANE Select); coding-DNA position 1243, G replaced by T.
Protein change: p.Val415Leu; replaces valine 415 with leucine.
Molecular consequence: missense variant.
Genome position (GRCh38, 1-based): chr8:76,705,331, G>T. VCF-style: chr8-76705331-G-T. GRCh37 (hg19) VCF-style: chr8-77617566-G-T.
Other names: c.1243G>T, p.Val415Leu (NM_001410934.1); short protein forms V415L.
Identifiers: ClinVar variation 3377163 (VCV003377163.1).

ClinVar aggregate classification (germline): Uncertain significance (1 of 4 stars; one submission).

Conditions:
Neurodevelopmental disorder. Identifiers: MedGen C1535926, MeSH D065886, MONDO:0700092.

Submission:

Victorian Clinical Genetics Services, Murdoch Childrens Research Institute
Classification: Uncertain significance for Neurodevelopmental disorder. Last evaluated: 2024-10-10. Review status: criteria provided, single submitter. Criteria: ACMG Guidelines, 2015. Collection method: clinical testing. Allele origin: germline. Inheritance: Autosomal dominant inheritance. Affected: yes.
Comment: Based on the classification scheme VCGS_Germline_v1.3.5, this variant is classified as VUS-3A. Following criteria are met: 0102 - Loss of function is a known mechanism of disease in this gene and is associated with neurodevelopmental disorder (MONDO:0700092), ZFHX4-related. (I) 0107 - This gene is associated with autosomal dominant disease. (I) 0200 - Variant is predicted to result in a missense amino acid change from valine to leucine. (I) 0251 - This variant is heterozygous. (I) 0301 - Variant is absent from gnomAD (v2, v3 and v4). (SP) 0309 - An alternative amino acid change at the same position has been observed in gnomAD (v4; 1 heterozygote, 0 homozygotes). (I) 0503 - Missense variant consistently predicted to be tolerated by multiple in silico tools or not conserved in placental mammals with a minor amino acid change. (SB) 0604 - Variant is not located in an established domain, motif, hotspot or informative constraint region. (I) 0705 - No comparable missense variants have previous evidence for pathogenicity. (I) 0807 - This variant has no previous evidence of pathogenicity. (I) 0905 - No published segregation evidence has been identified for this variant. (I) 1007 - No published functional evidence has been identified for this variant. (SP) Legend: (SP) - Supporting pathogenic, (I) - Information, (SB) - Supporting benign